The following is an entry in ClinVar:

ClinVar aggregate classification (germline): Uncertain significance (1 of 4 stars; one submission).

Allele frequency attached by ClinVar (database versions not stated): gnomAD exomes below 0.00001 and 0.00001.
gnomAD v4.1: 2 of 1,561,918 alleles (0.00013%); highest among the groups gnomAD compares: South Asian, 0.0023%; no homozygotes.

Submission:

Labcorp Genetics (formerly Invitae), Labcorp
Classification: Uncertain significance. Last evaluated: 2021-09-15. Review status: criteria provided, single submitter. Criteria: Invitae Variant Classification Sherloc (09022015). Collection method: clinical testing. Allele origin: germline.
Comment: This sequence change falls in intron 1 of the ALDH3A2 gene. It does not directly change the encoded amino acid sequence of the ALDH3A2 protein. It affects a nucleotide within the consensus splice site of the intron. This variant is not present in population databases (ExAC no frequency). In summary, the available evidence is currently insufficient to determine the role of this variant in disease. Therefore, it has been classified as a Variant of Uncertain Significance. Variants that disrupt the consensus splice site are a relatively common cause of aberrant splicing (PMID: 17576681, 9536098). Algorithms developed to predict the effect of sequence changes on RNA splicing suggest that this variant is not likely to affect RNA splicing. This variant has not been reported in the literature in individuals affected with ALDH3A2-related conditions.

Literature cited by the submitters: PubMed 17576681; PubMed 9536098.

NM_000382.3(ALDH3A2):c.153+3A>G

Gene: ALDH3A2 (aldehyde dehydrogenase 3 family member A2; plus strand). Cytogenetic location: 17p11.2.
Variant type: single nucleotide variant.
Coding change: c.153+3A>G on transcript NM_000382.3 (MANE Select); 3 bases into the intron after coding-DNA position 153, A replaced by G.
Molecular consequence: intron variant.
Genome position (GRCh38, 1-based): chr17:19,649,127, A>G. VCF-style: chr17-19649127-A-G. GRCh37 (hg19) VCF-style: chr17-19552440-A-G.
Other names: c.-536+3A>G (NM_001369148.2); c.153+3A>G (NM_001369137.2, NM_001369138.2, NM_001369146.2 and 3 more transcripts).
Identifiers: ClinVar variation 1477799 (VCV001477799.6), dbSNP rs1189769004, ClinGen allele CA625104366.